The following is an entry in ClinVar:

ClinVar aggregate classification (germline): Likely benign (1 of 4 stars; one submission).

Submission:

CeGaT Center for Human Genetics Tuebingen
Classification: Likely benign. Last evaluated: 2026-06-01. Review status: criteria provided, single submitter. Criteria: CeGaT Center For Human Genetics Tuebingen Variant Classification Criteria Version 2. Collection method: clinical testing. Allele origin: germline. Affected: yes. Observed: 1 variant allele.
Comment: CTBP1: BP4, BP7

NM_001012614.2(CTBP1):c.162+333G>C

Gene: CTBP1 (C-terminal binding protein 1; minus strand). Cytogenetic location: 4p16.3.
Variant type: single nucleotide variant.
Coding change: c.162+333G>C on transcript NM_001012614.2 (MANE Select); 333 bases into the intron after coding-DNA position 162, G replaced by C.
Molecular consequence: intron variant.
Genome position (GRCh38, 1-based): chr4:1,237,850, C>G on the plus strand (G>C on the coding strand, the complement: CTBP1 is on the minus strand). VCF-style: chr4-1237850-C-G. GRCh37 (hg19) VCF-style: chr4-1231638-C-G.
Other names: c.162+333G>C (NM_001377192.1, NM_001377189.1, NM_001377193.1 and 4 more transcripts); c.195+333G>C (NM_001328.3, NM_001377186.1).
Identifiers: ClinVar variation 4872746 (VCV004872746.2).